The following is an entry in ClinVar:

NM_018699.4(PRDM5):c.1010G>C (p.Arg337Pro)

Gene: PRDM5 (PR/SET domain 5; minus strand). Cytogenetic location: 4q27.
Variant type: single nucleotide variant.
Coding change: c.1010G>C on transcript NM_018699.4 (MANE Select); coding-DNA position 1010, G replaced by C.
Protein change: p.Arg337Pro; replaces arginine 337 with proline.
Molecular consequence: missense variant.
Genome position (GRCh38, 1-based): chr4:120,799,681, C>G on the plus strand (G>C on the coding strand, the complement: PRDM5 is on the minus strand). VCF-style: chr4-120799681-C-G. GRCh37 (hg19) VCF-style: chr4-121720836-C-G.
Other names: c.917G>C, p.Arg306Pro (NM_001300823.2, NM_001300824.2, NM_001379106.1); c.1010G>C, p.Arg337Pro (NM_001379104.1); short protein forms R306P, R337P.
Identifiers: ClinVar variation 3769184 (VCV003769184.2).
Genomic context (GRCh38, chr4:120,799,681, plus strand): 5'-GTAATGATATCACTATAAACAAAAAAAGTATATAGTTTACCTGAGTGGGTGATCATATGA[C>G]GTTTTAGCTGATTAGCTGAAATAAATTTCTTCATACATTCTTGACAATCAAATATCTCAT-3'
Protein context (NP_061169.2, residues 327-347): KKFISANQLK[Arg337Pro]HMITHSEKRP

ClinVar aggregate classification (germline): Uncertain significance (1 of 4 stars; one submission).

gnomAD v4.1: 19 of 1,612,512 alleles (0.0012%); highest among the groups gnomAD compares: Non-Finnish European, 0.0016%; no homozygotes.

Submission:

Women's Health and Genetics/Laboratory Corporation of America, LabCorp
Classification: Uncertain significance. Last evaluated: 2025-01-29. Review status: criteria provided, single submitter. Criteria: LabCorp Variant Classification Summary - May 2015. Collection method: clinical testing. Allele origin: germline.
Comment: Variant summary: PRDM5 c.1010G>C (p.Arg337Pro) results in a non-conservative amino acid change located in the Zinc finger C2H2 type domain (IPR013087) of the encoded protein sequence. Three of five in-silico tools predict a damaging effect of the variant on protein function. The variant allele was found at a frequency of 2.8e-05 in 250702 control chromosomes. The available data on variant occurrences in the general population are insufficient to allow any conclusion about variant significance. To our knowledge, no occurrence of c.1010G>C in individuals affected with Brittle cornea syndrome 2 and no experimental evidence demonstrating its impact on protein function have been reported. No submitters have cited clinical-significance assessments for this variant to ClinVar. Based on the evidence outlined above, the variant was classified as uncertain significance.